The following is an entry in ClinVar:

NM_003718.5(CDK13):c.2141G>A (p.Gly714Asp)

Gene: CDK13 (cyclin dependent kinase 13; plus strand). Cytogenetic location: 7p14.1.
Variant type: single nucleotide variant.
Coding change: c.2141G>A on transcript NM_003718.5 (MANE Select); coding-DNA position 2141, G replaced by A.
Protein change: p.Gly714Asp; replaces glycine 714 with aspartic acid.
Molecular consequence: missense variant.
Genome position (GRCh38, 1-based): chr7:39,999,459, G>A. VCF-style: chr7-39999459-G-A. GRCh37 (hg19) VCF-style: chr7-40039058-G-A.
Other names: c.2141G>A, p.Gly714Asp (NM_031267.4); short protein forms G714D.
Identifiers: ClinVar variation 449224 (VCV000449224.9), dbSNP rs1554326755, ClinGen allele CA367288336.

ClinVar aggregate classification (germline): Pathogenic. Review status: criteria provided, multiple submitters, no conflicts (2 of 4 stars). 4 submissions from 4 submitters: Pathogenic (4). Last evaluated 2025-03-25.

Conditions:
Congenital heart defects, dysmorphic facial features, and intellectual developmental disorder (CHDFIDD). Identifiers: Orphanet 646278, MedGen C4479246, MONDO:0044302, OMIM 617360.
Global developmental delay (DD). Also called: Cognitive delay. Identifiers: MedGen C0557874, HP:0001263. Disease mechanism: loss of function.
Inborn genetic diseases. Identifiers: MedGen C0950123, MeSH D030342.

Submissions (4):

Victorian Clinical Genetics Services, Murdoch Childrens Research Institute
Classification: Pathogenic for Congenital heart defects, dysmorphic facial features, and intellectual developmental disorder. Last evaluated: 2025-03-25. Review status: criteria provided, single submitter. Criteria: ACMG Guidelines, 2015. Collection method: clinical testing. Allele origin: germline. Affected: yes.
Comment: This variant is classified as Pathogenic. Evidence in support of pathogenic classification: Variant is absent from gnomAD (v2, v3 and v4); This variant has strong previous evidence of pathogenicity in unrelated individuals. This variant has been classified as pathogenic by clinical laboratories (ClinVar). This variant has been reported as de novo in at least two individuals with CDK13-related phenotypes (PMIDs: 29393965, 37501076); Other missense variants comparable to the one identified in this case have strong previous evidence for pathogenicity. The p.(Gly714Cys), p.(Gly714Val), and p.(Gly714Arg) variants have been classified as pathogenic or likely pathogenic by clinical laboratories (ClinVar). In addition, the p.(Gly714Val) and p.(Gly714Arg) variants have been reported to be de novo in individuals with CDK13-related phenotypes (PMIDs: 35651941, 27479907); Missense variant predicted to be damaging by in silico tool(s) or highly conserved with a major amino acid change; Additional information: Variant is predicted to result in a missense amino acid change from glycine to aspartic acid; This variant is heterozygous; This gene is associated with autosomal dominant disease; Variant is located in the annotated protein kinase domain (DECIPHER); The mechanism of disease for this gene is not clearly established. Loss of function and dominant negative are suggested mechanisms of disease (PMIDs: 29393965, 30904094, 32762766).

Ambry Genetics
Classification: Pathogenic for Inborn genetic diseases. Last evaluated: 2025-01-15. Review status: criteria provided, single submitter. Criteria: Ambry Variant Classification Scheme 2023. Collection method: clinical testing. Allele origin: germline.
Comment: The c.2141G>A (p.G714D) alteration is located in exon 4 (coding exon 4) of the CDK13 gene. This alteration results from a G to A substitution at nucleotide position 2141, causing the glycine (G) at amino acid position 714 to be replaced by an aspartic acid (D). This variant was not reported in population-based cohorts in the Genome Aggregation Database (gnomAD). This variant was determined to be de novo in multiple individuals with features consistent with CDK13-related neurodevelopmental disorder (van den Akker, 2018; Hamanaka, 2022; Rouxel, 2022; Wang, 2023). Other variant(s) at the same codon, c.2140G>C (p.G714R) and c.2141G>T (p.G714V), have been identified in individual(s) with features consistent with CDK13-related neurodevelopmental disorder (Bostwick, 2017; Cui, 2022). This amino acid position is highly conserved in available vertebrate species. This missense alteration is located in a region that has a low rate of benign missense variation (Lek, 2016; Firth, 2009). This alteration is predicted to be deleterious by in silico analysis. Based on the available evidence, this alteration is classified as pathogenic.

GeneDx
Classification: Pathogenic. Last evaluated: 2022-03-25. Review status: criteria provided, single submitter. Criteria: GeneDx Variant Classification Process June 2021. Collection method: clinical testing. Allele origin: germline. Affected: yes.
Comment: Not observed at significant frequency in large population cohorts (gnomAD); In silico analysis supports that this missense variant has a deleterious effect on protein structure/function; This variant is associated with the following publications: (PMID: 29393965)

Cytogénomique, Hospices Civils de Lyon
Classification: Pathogenic for Global developmental delay. Last evaluated: 2019-11-01. Review status: criteria provided, single submitter. Criteria: ACMG Guidelines, 2015. Collection method: clinical testing. Allele origin: de novo. Affected: yes.

Literature cited by the submitters: PubMed 35651941 (cited by Victorian Clinical Genetics Services, Murdoch Childrens Research Institute and Ambry Genetics); PubMed 32762766 (cited by Victorian Clinical Genetics Services, Murdoch Childrens Research Institute); PubMed 29393965 (cited by Victorian Clinical Genetics Services, Murdoch Childrens Research Institute and Ambry Genetics); PubMed 27479907 (cited by Victorian Clinical Genetics Services, Murdoch Childrens Research Institute); PubMed 37501076 (cited by Victorian Clinical Genetics Services, Murdoch Childrens Research Institute and Ambry Genetics); PubMed 30904094 (cited by Victorian Clinical Genetics Services, Murdoch Childrens Research Institute); PubMed 28807008 (cited by Ambry Genetics); PubMed 35063350 (cited by Ambry Genetics); PubMed 35468861 (cited by Ambry Genetics).